The following is an entry in ClinVar:

ClinVar aggregate classification (germline): Uncertain significance (1 of 4 stars; one submission).

Conditions:
Epileptic encephalopathy. Identifiers: MedGen C0543888, HP:0200134.

Submission:

Labcorp Genetics (formerly Invitae), Labcorp
Classification: Uncertain significance for Epileptic encephalopathy. Last evaluated: 2024-10-04. Review status: criteria provided, single submitter. Criteria: Invitae Variant Classification Sherloc (09022015). Collection method: clinical testing. Allele origin: germline.
Comment: This sequence change replaces asparagine, which is neutral and polar, with histidine, which is basic and polar, at codon 781 of the GABBR2 protein (p.Asn781His). This variant is not present in population databases (gnomAD no frequency). This variant has not been reported in the literature in individuals affected with GABBR2-related conditions. Invitae Evidence Modeling of protein sequence and biophysical properties (such as structural, functional, and spatial information, amino acid conservation, physicochemical variation, residue mobility, and thermodynamic stability) indicates that this missense variant is not expected to disrupt GABBR2 protein function with a negative predictive value of 80%. In summary, the available evidence is currently insufficient to determine the role of this variant in disease. Therefore, it has been classified as a Variant of Uncertain Significance.

NM_005458.8(GABBR2):c.2341A>C (p.Asn781His)

Gene: GABBR2 (gamma-aminobutyric acid type B receptor subunit 2; minus strand). Cytogenetic location: 9q22.33.
Variant type: single nucleotide variant.
Coding change: c.2341A>C on transcript NM_005458.8 (MANE Select); coding-DNA position 2341, A replaced by C.
Protein change: p.Asn781His; replaces asparagine 781 with histidine.
Molecular consequence: missense variant.
Genome position (GRCh38, 1-based): chr9:98,303,312, T>G on the plus strand (A>C on the coding strand, the complement: GABBR2 is on the minus strand). VCF-style: chr9-98303312-T-G. GRCh37 (hg19) VCF-style: chr9-101065594-T-G.
Other names: short protein forms N781H.
Identifiers: ClinVar variation 3704314 (VCV003704314.2).
Genomic context (GRCh38, chr9:98,303,312, plus strand): 5'-TCATTCGCAGGCGATGGTTTTCTGACTGTAGGCCCTCCAGGCGGGATGTGCTGGCTTGGT[T>G]CACACTGGTGACCGAGGTGGACGTTTTAGAATCTTCTTTCTTCTGATTCTGAGTGAACTG-3'
Protein context (NP_005449.5, residues 771-791): SKTSTSVTSV[Asn781His]QASTSRLEGL